The following is an entry in ClinVar:

ClinVar aggregate classification (germline): Uncertain significance. Review status: criteria provided, multiple submitters, no conflicts (2 of 4 stars). 2 submissions from 2 submitters: Uncertain significance (2). Last evaluated 2025-09-10.

Conditions:
Congenital muscular dystrophy due to LMNA mutation. Also called: Congenital muscular dystrophy, LMNA-related; Lamin A-related Congenital Muscular Dystrophy. Identifiers: Orphanet 157973, MedGen C2750785, MONDO:0013178, OMIM 613205.

Submissions (2):

Genomic Medicine Center of Excellence, King Faisal Specialist Hospital and Research Centre
Classification: Uncertain significance for Congenital muscular dystrophy due to LMNA mutation. Last evaluated: 2025-09-10. Review status: criteria provided, single submitter. Criteria: ACMG Guidelines, 2015. Collection method: clinical testing. Allele origin: germline.

GeneDx
Classification: Uncertain significance. Last evaluated: 2016-11-30. Review status: criteria provided, single submitter. Criteria: GeneDx Variant Classification (06012015). Collection method: clinical testing. Allele origin: germline. Affected: yes.
Comment: The E112V variant has not been published as a pathogenic variant, nor has it been reported as a benign variant to our knowledge. This variant was not observed in approximately 6,500 individuals of European and African American ancestry in the NHLBI Exome Sequencing Project, indicating it is not a common benign variant in these populations. The E112V variant is a non-conservative amino acid substitution, which is likely to impact secondary protein structure as these residues differ in polarity, charge, size and/or other properties. In silico analysis predicts this variant is probably damaging to the protein structure/function. Additionally, this variant is located in the alph-helical rod domain of the LMNA gene. However, this substitution occurs at a position where amino acids with similar properties to Glutamic acid are tolerated across species. Given the available evidence, we interpret E112V as a variant of uncertain significance.

NM_170707.4(LMNA):c.335A>T (p.Glu112Val)

Gene: LMNA (lamin A/C; plus strand). Cytogenetic location: 1q22.
Variant type: single nucleotide variant.
Coding change: c.335A>T on transcript NM_170707.4 (MANE Select); coding-DNA position 335, A replaced by T.
Protein change: p.Glu112Val; replaces glutamic acid 112 with valine.
Molecular consequence: missense variant.
Genome position (GRCh38, 1-based): chr1:156,115,253, A>T. VCF-style: chr1-156115253-A-T. GRCh37 (hg19) VCF-style: chr1-156085044-A-T.
Other names: p.E112V:GAG>GTG; c.335A>T, p.Glu112Val (NM_170708.4, NM_001282625.2, NM_001282626.2 and 1 more transcripts); short protein forms E112V.
Identifiers: ClinVar variation 200931 (VCV000200931.3), dbSNP rs794728587, ClinGen allele CA017916.